The following is an entry in ClinVar:

NM_013266.4(CTNNA3):c.1814A>C (p.Gln605Pro)

Gene: CTNNA3 (catenin alpha 3; minus strand). Cytogenetic location: 10q21.3.
Variant type: single nucleotide variant.
Coding change: c.1814A>C on transcript NM_013266.4 (MANE Select); coding-DNA position 1814, A replaced by C.
Protein change: p.Gln605Pro; replaces glutamine 605 with proline.
Molecular consequence: missense variant.
Genome position (GRCh38, 1-based): chr10:66,280,540, T>G on the plus strand (A>C on the coding strand, the complement: CTNNA3 is on the minus strand). VCF-style: chr10-66280540-T-G. GRCh37 (hg19) VCF-style: chr10-68040298-T-G.
Other names: c.1814A>C, p.Gln605Pro (NM_001127384.3); short protein forms Q605P.
Identifiers: ClinVar variation 4740227 (VCV004740227.1).

ClinVar aggregate classification (germline): Uncertain significance (1 of 4 stars; one submission).

Conditions:
Arrhythmogenic right ventricular dysplasia 13. Also called: ARRHYTHMOGENIC RIGHT VENTRICULAR CARDIOMYOPATHY 13; Arrhythmogenic right ventricular dysplasia, familial, 13. Identifiers: MedGen C3810138, MONDO:0000908, OMIM 615616.

gnomAD v4.1: 6 of 1,610,128 alleles (0.00037%); highest among the groups gnomAD compares: Admixed American, 0.0067%; no homozygotes.

Submission:

Labcorp Genetics (formerly Invitae), Labcorp
Classification: Uncertain significance for Arrhythmogenic right ventricular dysplasia 13. Last evaluated: 2025-08-28. Review status: criteria provided, single submitter. Criteria: Invitae Variant Classification Sherloc (09022015). Collection method: clinical testing. Allele origin: germline.
Comment: This sequence change replaces glutamine, which is neutral and polar, with proline, which is neutral and non-polar, at codon 605 of the CTNNA3 protein (p.Gln605Pro). The frequency data for this variant in the population databases is considered unreliable, as metrics indicate poor data quality at this position in the gnomAD database. This variant has not been reported in the literature in individuals affected with CTNNA3-related conditions. Invitae Evidence Modeling of protein sequence and biophysical properties (such as structural, functional, and spatial information, amino acid conservation, physicochemical variation, residue mobility, and thermodynamic stability) has been performed for this missense variant. However, the output from this modeling did not meet the statistical confidence thresholds required to predict the impact of this variant on CTNNA3 protein function. In summary, the available evidence is currently insufficient to determine the role of this variant in disease. Therefore, it has been classified as a Variant of Uncertain Significance.